The following is an entry in ClinVar:

NM_020702.5(MYORG):c.1681del (p.Gln561fs)

Gene: MYORG (myogenesis regulating glycosidase; minus strand). Cytogenetic location: 9p13.3.
Variant type: Deletion.
Coding change: c.1681del on transcript NM_020702.5 (MANE Select); coding-DNA position 1681, one base deleted (C; older notation c.1681delC).
Protein change: p.Gln561fs; shifts the reading frame from glutamine 561.
Molecular consequence: frameshift variant.
Genome position (GRCh38, 1-based): chr9:34,371,263, G deleted on the plus strand (C on the coding strand, the reverse complement: MYORG is on the minus strand); the first of 4 consecutive G bases (chr9:34,371,263-34,371,266); deleting any one gives the same sequence. VCF-style (leftmost placement, unchanged base first): chr9-34371262-TG-T. GRCh37 (hg19) VCF-style: chr9-34371260-TG-T.
Other names: short protein forms Q561fs.
Identifiers: ClinVar variation 3711302 (VCV003711302.2).

ClinVar aggregate classification (germline): Pathogenic (1 of 4 stars; one submission).

Submission:

Labcorp Genetics (formerly Invitae), Labcorp
Classification: Pathogenic. Last evaluated: 2024-10-29. Review status: criteria provided, single submitter. Criteria: Invitae Variant Classification Sherloc (09022015). Collection method: clinical testing. Allele origin: germline.
Comment: This sequence change results in a frameshift in the KIAA1161 gene (p.Gln561Serfs*193). While this is not anticipated to result in nonsense mediated decay, it is expected to disrupt the last 154 amino acid(s) of the KIAA1161 protein and extend the protein by 38 additional amino acid residues. The frequency data for this variant in the population databases is considered unreliable, as metrics indicate poor data quality at this position in the gnomAD database. This variant has not been reported in the literature in individuals affected with KIAA1161-related conditions. This variant disrupts a region of the KIAA1161 protein in which other variant(s) (p.Ile656Thr) have been determined to be pathogenic (PMID: 30649222, 31009047, 31951047, 32211515). This suggests that this is a clinically significant region of the protein, and that variants that disrupt it are likely to be disease-causing. For these reasons, this variant has been classified as Pathogenic.

Literature cited by the submitters: PubMed 30649222; PubMed 31009047; PubMed 31951047; PubMed 32211515.